The following is an entry in ClinVar:

NM_001372106.1(DNAH10):c.7524A>G (p.Gln2508=)

Gene: DNAH10 (dynein axonemal heavy chain 10; plus strand). Cytogenetic location: 12q24.31.
Variant type: single nucleotide variant.
Coding change: c.7524A>G on transcript NM_001372106.1 (MANE Select); coding-DNA position 7524, A replaced by G.
Protein change: p.Gln2508=; no amino-acid change (glutamine 2508 retained).
Molecular consequence: synonymous variant.
Genome position (GRCh38, 1-based): chr12:123,870,370, A>G. VCF-style: chr12-123870370-A-G. GRCh37 (hg19) VCF-style: chr12-124354917-A-G.
Other names: c.7170A>G, p.Gln2390= (NM_001083900.1, NM_207437.3).
Identifiers: ClinVar variation 3025465 (VCV003025465.22), dbSNP rs189155927, ClinGen allele CA6864535.

ClinVar aggregate classification (germline): Likely benign (1 of 4 stars; one submission).

Allele frequency attached by ClinVar (database versions not stated): ExAC 0.00009; 1000 Genomes Project 30x 0.00016; 1000 Genomes Project 0.00020; ESP Exome Variant Server 0.00025.
gnomAD v4.1: 74 of 1,613,326 alleles (0.0046%); highest among the groups gnomAD compares: African/African-American, 0.076%; no homozygotes.

Submission:

CeGaT Center for Human Genetics Tuebingen
Classification: Likely benign. Last evaluated: 2024-01-01. Review status: criteria provided, single submitter. Criteria: CeGaT Center For Human Genetics Tuebingen Variant Classification Criteria Version 2. Collection method: clinical testing. Allele origin: germline. Affected: yes. Observed: 1 variant allele.
Comment: DNAH10: BP4, BP7